The following is an entry in ClinVar:

ClinVar aggregate classification (germline): Likely benign (0 of 4 stars; one submission).

Conditions:
PLXNA1-related disorder. Also called: PLXNA1-related condition.

Allele frequency attached by ClinVar (database versions not stated): ExAC 0.00001; TOPMed 0.00013.
gnomAD v4.1: 22 of 1,613,178 alleles (0.0014%); highest among the groups gnomAD compares: African/African-American, 0.029%; no homozygotes.

Submission:

PreventionGenetics, part of Exact Sciences
Classification: Likely benign for PLXNA1-related condition. Last evaluated: 2023-10-31. Review status: no assertion criteria provided. Collection method: clinical testing. Allele origin: germline.
Comment: This variant is classified as likely benign based on ACMG/AMP sequence variant interpretation guidelines (Richards et al. 2015 PMID: 25741868, with internal and published modifications).

NM_032242.4(PLXNA1):c.420C>T (p.Phe140=)

Gene: PLXNA1 (plexin A1; plus strand). Cytogenetic location: 3q21.3.
Variant type: single nucleotide variant.
Coding change: c.420C>T on transcript NM_032242.4 (MANE Select); coding-DNA position 420, C replaced by T.
Protein change: p.Phe140=; no amino-acid change (phenylalanine 140 retained).
Molecular consequence: synonymous variant.
Genome position (GRCh38, 1-based): chr3:126,989,013, C>T. VCF-style: chr3-126989013-C-T. GRCh37 (hg19) VCF-style: chr3-126707856-C-T.
Identifiers: ClinVar variation 3029402 (VCV003029402.2), dbSNP rs777769843, ClinGen allele CA2592980.